The following is an entry in ClinVar:

ClinVar aggregate classification (germline): Uncertain significance (1 of 4 stars; one submission).

Allele frequency attached by ClinVar (database versions not stated): gnomAD exomes below 0.00001.
gnomAD v4.1: 1 of 1,612,322 alleles (0.000062%); highest among the groups gnomAD compares: Non-Finnish European, 0.000085%; no homozygotes.

Submission:

Labcorp Genetics (formerly Invitae), Labcorp
Classification: Uncertain significance. Last evaluated: 2022-08-19. Review status: criteria provided, single submitter. Criteria: Invitae Variant Classification Sherloc (09022015). Collection method: clinical testing. Allele origin: germline.
Comment: In summary, the available evidence is currently insufficient to determine the role of this variant in disease. Therefore, it has been classified as a Variant of Uncertain Significance. Advanced modeling of protein sequence and biophysical properties (such as structural, functional, and spatial information, amino acid conservation, physicochemical variation, residue mobility, and thermodynamic stability) performed at Invitae indicates that this missense variant is expected to disrupt ACO2 protein function. This variant has not been reported in the literature in individuals affected with ACO2-related conditions. This variant is not present in population databases (gnomAD no frequency). This sequence change replaces threonine, which is neutral and polar, with isoleucine, which is neutral and non-polar, at codon 470 of the ACO2 protein (p.Thr470Ile).

NM_001098.3(ACO2):c.1409C>T (p.Thr470Ile)

Gene: ACO2 (aconitase 2; plus strand). Cytogenetic location: 22q13.2.
Variant type: single nucleotide variant.
Coding change: c.1409C>T on transcript NM_001098.3 (MANE Select); coding-DNA position 1409, C replaced by T.
Protein change: p.Thr470Ile; replaces threonine 470 with isoleucine.
Molecular consequence: missense variant.
Genome position (GRCh38, 1-based): chr22:41,523,868, C>T. VCF-style: chr22-41523868-C-T. GRCh37 (hg19) VCF-style: chr22-41919872-C-T.
Other names: short protein forms T470I.
Identifiers: ClinVar variation 2018098 (VCV002018098.4), dbSNP rs2518230985, ClinGen allele CA411726852.
Genomic context (GRCh38, chr22:41,523,868, plus strand): 5'-CCTGATCCCTCTGACCTGGCAGGAAGGACATCAAGAAGGGGGAGAAGAACACAATCGTCA[C>T]CTCCTACAACAGGAACTTCACGGGCCGCAACGACGCAAACCCCGAGACCCATGCCTTTGT-3'
Protein context (NP_001089.1, residues 460-480): IKKGEKNTIV[Thr470Ile]SYNRNFTGRN